The following is an entry in ClinVar:

ClinVar aggregate classification (germline): Pathogenic/Likely pathogenic. Review status: criteria provided, multiple submitters, no conflicts (2 of 4 stars). 8 submissions from 8 submitters: Pathogenic (4); Likely pathogenic (2). 2 of the submissions do not count toward it. Last evaluated 2026-01-21.

Conditions:
Holocarboxylase synthetase deficiency. Also called: MULTIPLE CARBOXYLASE DEFICIENCY, EARLY ONSET. Identifiers: Orphanet 79242, MedGen C0268581, MONDO:0009666, OMIM 253270.

Allele frequency attached by ClinVar (database versions not stated): gnomAD exomes below 0.00001; gnomAD 0.00001; TOPMed 0.00001.
gnomAD v4.1: 11 of 1,614,236 alleles (0.00068%); highest among the groups gnomAD compares: Admixed American, 0.0017%; no homozygotes.

Submissions (8):

Natera, Inc.
Classification: Likely pathogenic for Holocarboxylase synthetase deficiency. Last evaluated: 2026-01-21. Review status: criteria provided, single submitter. Criteria: Natera Variant Classification Schema (03/2026). Collection method: clinical testing. Allele origin: germline.
Comment: The c.1648G>A variant in HLCS is a missense variant predicted to cause substitution of valine to methionine at amino acid 550. This variant is rare in the general population with a frequency below the threshold expected for the associated phenotype(s). This variant has been observed in one or more individuals affected with the associated recessive disease, as either homozygous or compound heterozygous with a second variant (PMID: 36890565, 33870574, 12124727, 11185745, 12633764). Functional studies show that this variant may disrupt protein function (PMID: 9396568). Computational prediction algorithms indicate this variant is likely to affect gene or protein function. Given the available evidence, this variant is classified as Likely Pathogenic.

Labcorp Genetics (formerly Invitae), Labcorp
Classification: Pathogenic for Holocarboxylase synthetase deficiency. Last evaluated: 2025-10-28. Review status: criteria provided, single submitter. Criteria: Invitae Variant Classification Sherloc (09022015). Collection method: clinical testing. Allele origin: germline.
Comment: This sequence change replaces valine, which is neutral and non-polar, with methionine, which is neutral and non-polar, at codon 550 of the HLCS protein (p.Val550Met). This variant is present in population databases (rs119103231, gnomAD 0.003%). This missense change has been observed in individual(s) with holocarboxylase synthetase deficiency (PMID: 9396568, 10068510, 12124727, 12633764, 24099927). In at least one individual the data is consistent with being in trans (on the opposite chromosome) from a pathogenic variant. ClinVar contains an entry for this variant (Variation ID: 1911). Invitae Evidence Modeling of protein sequence and biophysical properties (such as structural, functional, and spatial information, amino acid conservation, physicochemical variation, residue mobility, and thermodynamic stability) indicates that this missense variant is expected to disrupt HLCS protein function with a positive predictive value of 95%. Experimental studies have shown that this missense change affects HLCS function (PMID: 9396568, 10068510). For these reasons, this variant has been classified as Pathogenic.

Fulgent Genetics
Classification: Likely pathogenic for Holocarboxylase synthetase deficiency. Last evaluated: 2024-05-28. Review status: criteria provided, single submitter. Criteria: ACMG Guidelines, 2015. Collection method: clinical testing. Allele origin: germline.

Baylor Genetics
Classification: Pathogenic for Holocarboxylase synthetase deficiency. Last evaluated: 2024-03-19. Review status: criteria provided, single submitter. Criteria: ACMG Guidelines, 2015. Collection method: clinical testing. Allele origin: unknown.

Women's Health and Genetics/Laboratory Corporation of America, LabCorp
Classification: Pathogenic for Holocarboxylase synthetase deficiency. Last evaluated: 2018-11-19. Review status: criteria provided, single submitter. Criteria: LabCorp Variant Classification Summary - May 2015. Collection method: clinical testing. Allele origin: germline.
Comment: Variant summary: HLCS c.1648G>A (p.Val550Met) results in a conservative amino acid change located in the Biotinyl protein ligase (BPL) and lipoyl protein ligase (LPL) catalytic domain (IPR004143) of the encoded protein sequence. Four of five in-silico tools predict a damaging effect of the variant on protein function. The variant allele was found at a frequency of 4.1e-06 in 246272 control chromosomes (gnomAD). c.1648G>A has been reported in the literature in homo- or heterozygous state, in multiple individuals from several ethnic groups who were affected with Holocarboxylase Synthetase Deficiency (see e.g. Dupuis 1996, Yang 2001, Tang 2003). These data indicate that the variant is very likely to be associated with disease. At least one publication reported experimental evidence evaluating an impact on protein function. The most pronounced variant effect results in <10% of normal activity, and the enzyme activity was moderately biotin responsive (Dupuis 1999). Two clinical diagnostic laboratories have submitted clinical-significance assessments for this variant to ClinVar after 2014 without evidence for independent evaluation, and both of them classified the variant as pathogenic (1x)/likely pathogenic(1x). Based on the evidence outlined above, the variant was classified as pathogenic.

GeneDx
Classification: Pathogenic. Last evaluated: 2016-09-27. Review status: criteria provided, single submitter. Criteria: GeneDx Variant Classification (06012015). Collection method: clinical testing. Allele origin: germline. Affected: yes.
Comment: The V550M missense mutation in the HLCS gene has been reported previously in association with holocarboxylase synthetase (HLCS) deficiency (Dupuis et al., 1996). V550M is located in the biotin-binding domain of the holocarboxylase synthetase enzyme (Dupuis et al.,1996).The variant is found in HLCS panel(s).

Counsyl
Classification: Likely pathogenic for Holocarboxylase synthetase deficiency. Last evaluated: 2017-12-22. Review status: no assertion criteria provided. Collection method: clinical testing. Allele origin: unknown. Not counted in ClinVar's aggregate classification.

OMIM
Classification: Pathogenic for HOLOCARBOXYLASE SYNTHETASE DEFICIENCY. Last evaluated: 2001-11-01. Review status: no assertion criteria provided. Collection method: literature only. Allele origin: germline. Not counted in ClinVar's aggregate classification.

Literature cited by the submitters: PubMed 36890565 (cited by Natera, Inc.); PubMed 33870574 (cited by Natera, Inc.); PubMed 12124727 (cited by 3 submitters); PubMed 11185745 (cited by Natera, Inc.); PubMed 12633764 (cited by 4 submitters); PubMed 9396568 (cited by 4 submitters); PubMed 10068510 (cited by 3 submitters); PubMed 24099927 (cited by Labcorp Genetics (formerly Invitae), Labcorp); PubMed 8817339 (cited by Women's Health and Genetics/Laboratory Corporation of America, LabCorp and Counsyl); PubMed 11735028 (cited by Women's Health and Genetics/Laboratory Corporation of America, LabCorp and OMIM).

NM_001352514.2(HLCS):c.2089G>A (p.Val697Met)

Gene: HLCS (holocarboxylase synthetase; minus strand). Cytogenetic location: 21q22.13.
Variant type: single nucleotide variant.
Coding change: c.2089G>A on transcript NM_001352514.2 (MANE Select); coding-DNA position 2089, G replaced by A.
Protein change: p.Val697Met; replaces valine 697 with methionine.
Molecular consequence: missense variant. On other transcripts: non-coding transcript variant (2).
Genome position (GRCh38, 1-based): chr21:36,765,044, C>T on the plus strand (G>A on the coding strand, the complement: HLCS is on the minus strand). VCF-style: chr21-36765044-C-T. GRCh37 (hg19) VCF-style: chr21-38137345-C-T.
Other names: p.V550M:GTG>ATG; c.1648G>A, p.Val550Met (NM_000411.8, NM_001242784.3, NM_001242785.2 and 4 more transcripts); c.1648G>A (NM_000411.7); short protein forms V550M, V697M.
Identifiers: ClinVar variation 1911 (VCV000001911.19), dbSNP rs119103231, ClinGen allele CA278022.